The following is an entry in ClinVar:

ClinVar aggregate classification (germline): Uncertain significance. Review status: criteria provided, multiple submitters, no conflicts (2 of 4 stars). 6 submissions from 6 submitters: Uncertain significance (6). Last evaluated 2025-10-30.

Conditions:
Wilson disease (WND). Also called: Wilson's disease. Identifiers: Orphanet 905, MedGen C0019202, MONDO:0010200, OMIM 277900. Disease mechanism: loss of function.
Inborn genetic diseases. Identifiers: MedGen C0950123, MeSH D030342.

Allele frequency attached by ClinVar (database versions not stated): gnomAD exomes below 0.00001 and 0.00001; TOPMed 0.00002.
gnomAD v4.1: 6 of 1,614,090 alleles (0.00037%); highest among the groups gnomAD compares: Admixed American, 0.0033%; no homozygotes.

Submissions (6):

Mayo Clinic Laboratories, Mayo Clinic
Classification: Uncertain significance. Last evaluated: 2025-10-30. Review status: criteria provided, single submitter. Criteria: ACMG Guidelines, 2015. Collection method: clinical testing. Allele origin: germline. Observed: 1 variant allele.
Comment: BP2, PP3_moderate, PP4, PM2_supporting

Labcorp Genetics (formerly Invitae), Labcorp
Classification: Uncertain significance for Wilson disease. Last evaluated: 2025-07-13. Review status: criteria provided, single submitter. Criteria: Invitae Variant Classification Sherloc (09022015). Collection method: clinical testing. Allele origin: germline.
Comment: This sequence change replaces isoleucine, which is neutral and non-polar, with serine, which is neutral and polar, at codon 381 of the ATP7B protein (p.Ile381Ser). This variant is present in population databases (rs766943890, gnomAD 0.006%). This missense change has been observed in individual(s) with Wilson Disease (PMID: 23518715, 36096368). ClinVar contains an entry for this variant (Variation ID: 1038648). Invitae Evidence Modeling of protein sequence and biophysical properties (such as structural, functional, and spatial information, amino acid conservation, physicochemical variation, residue mobility, and thermodynamic stability) indicates that this missense variant is not expected to disrupt ATP7B protein function with a negative predictive value of 80%. In summary, the available evidence is currently insufficient to determine the role of this variant in disease. Therefore, it has been classified as a Variant of Uncertain Significance.

ARUP Laboratories, Molecular Genetics and Genomics, ARUP Laboratories
Classification: Uncertain significance for Wilson disease. Last evaluated: 2025-06-09. Review status: criteria provided, single submitter. Criteria: ARUP Molecular Germline Variant Investigation Process 2024. Collection method: clinical testing. Allele origin: germline.
Comment: The ATP7B c.1142T>G; p.Ile381Ser variant (rs766943890) is reported in the literature in several individuals affected with Wilson disease, although in one individual this variant occurred in cis to the p.Ile1184Thr variant, and the full genotype of the second individual was not reported (Coffey 2013, Nayagam 2023). The p.Ile381Ser variant is found in the Latino population with an allele frequency of 0.006% (2/34,528 alleles) in the Genome Aggregation Database (v2.1.1). Computational analyses predict that this variant is deleterious (REVEL: 0.813). Due to limited information, the clinical significance of this variant is uncertain at this time. References: Coffey AJ et al. A genetic study of Wilson's disease in the United Kingdom. Brain. 2013 May;136(Pt 5):1476-87. PMID: 23518715. Nayagam JS et al. ATP7B Genotype and Chronic Liver Disease Treatment Outcomes in Wilson Disease: Worse Survival With Loss-of-Function Variants. Clin Gastroenterol Hepatol. 2023 May;21(5):1323-1329.e4. PMID: 36096368.

Women's Health and Genetics/Laboratory Corporation of America, LabCorp
Classification: Uncertain significance. Last evaluated: 2023-08-30. Review status: criteria provided, single submitter. Criteria: LabCorp Variant Classification Summary - May 2015. Collection method: clinical testing. Allele origin: germline.
Comment: Variant summary: ATP7B c.1142T>G (p.Ile381Ser) results in a non-conservative amino acid change located in the Heavy metal-associated domain, HMA (IPR006121) of the encoded protein sequence. Five of five in-silico tools predict a damaging effect of the variant on protein function. The variant allele was found at a frequency of 8e-06 in 249546 control chromosomes (gnomAD). The available data on variant occurrences in the general population are insufficient to allow any conclusion about variant significance. c.1142T>G has been reported in the literature in individuals affected with Wilson Disease without strong evidence of causality (Coffey_2013, Nagayam_2023), and in one patient the variant was found in cis with another missense variant. These reports do not provide unequivocal conclusions about association of the variant with Wilson Disease. To our knowledge, no experimental evidence demonstrating an impact on protein function has been reported. The following publications have been ascertained in the context of this evaluation (PMID: 23518715, 36096368). One submitter has cited a clinical-significance assessment for this variant to ClinVar after 2014 and has classified the variant as uncertain significance. Based on the evidence outlined above, the variant was classified as uncertain significance.

GeneDx
Classification: Uncertain significance. Last evaluated: 2021-03-05. Review status: criteria provided, single submitter. Criteria: GeneDx Variant Classification Process June 2021. Collection method: clinical testing. Allele origin: germline. Affected: yes.
Comment: Observed in cis with the I1184T variant and in trans with a frameshift variant in an individual with Wilson disease (PMID: 23518715); Not observed at a significant frequency in large population cohorts (gnomAD); In silico analysis supports that this missense variant has a deleterious effect on protein structure/function; This variant is associated with the following publications: (PMID: 36096368, 23518715)

Ambry Genetics
Classification: Uncertain significance for Inborn genetic diseases. Last evaluated: 2014-08-20. Review status: criteria provided, single submitter. Criteria: Ambry Variant Classification Scheme 2023. Collection method: clinical testing. Allele origin: germline.
Comment: The p.I381S variant (also known as c.1142T>G), located in coding exon 2 of the ATP7B gene, results from a T to G substitution at nucleotide position 1142. The isoleucine at codon 381 is replaced by serine, an amino acid with dissimilar properties. In one study, this variant was confirmed to be in cis with a second variant, p.I1184T, and in trans with a pathogenic mutation in an individual with a clinical diagnosis of Wilson disease. In another patient in this study, this variant was also seen with p.I1184T as well as a different alteration; however phase was not determined (Coffey AJ, et al. Brain 2013 May; 136(Pt 5):1476-87). This variant was not reported in population based cohorts in the following databases: Database of Single Nucleotide Polymorphisms (dbSNP) and 1000 Genomes Project. In the ESP, this variant was not observed in 6226 samples (12452 alleles) with coverage at this position. This amino acid position is well conserved in available vertebrate species. In addition, this alteration is predicted to be deleterious by in silico analysis. Based on the available evidence to date, the clinical significance of the p.I381S variant remains unclear.

Literature cited by the submitters: PubMed 23518715 (cited by 4 submitters); PubMed 36096368 (cited by 3 submitters).

NM_000053.4(ATP7B):c.1142T>G (p.Ile381Ser)

Gene: ATP7B (ATPase copper transporting beta; minus strand). Cytogenetic location: 13q14.3.
Variant type: single nucleotide variant.
Coding change: c.1142T>G on transcript NM_000053.4 (MANE Select); coding-DNA position 1142, T replaced by G.
Protein change: p.Ile381Ser; replaces isoleucine 381 with serine.
Molecular consequence: missense variant.
Genome position (GRCh38, 1-based): chr13:51,974,078, A>C on the plus strand (T>G on the coding strand, the complement: ATP7B is on the minus strand). VCF-style: chr13-51974078-A-C. GRCh37 (hg19) VCF-style: chr13-52548214-A-C.
Other names: p.Ile381Ser; c.1142T>G, p.Ile381Ser (NM_001005918.3, NM_001330578.2, NM_001330579.2); c.809T>G, p.Ile270Ser (NM_001243182.2); short protein forms I270S, I381S.
Identifiers: ClinVar variation 1038648 (VCV001038648.13), dbSNP rs766943890, ClinGen allele CA250066843.